The following is an entry in ClinVar:

ClinVar aggregate classification (germline): Likely pathogenic (1 of 4 stars; one submission).

Submission:

Genetic Services Laboratory, University of Chicago
Classification: Likely pathogenic. Last evaluated: 2024-09-12. Review status: criteria provided, single submitter. Criteria: ACMG Guidelines, 2015. Collection method: clinical testing. Allele origin: germline. Affected: yes.
Comment: DNA sequence analysis of the ERCC6L2 gene demonstrated a sequence change, c.1474C>T, which results in the creation of a premature stop codon at amino acid position 492, p.Gln492*. This pathogenic sequence change is predicted to result in an abnormal transcript, which may be degraded, or may lead to the production of a truncated ERCC6L2 protein with potentially abnormal function. This sequence change has not been described in the population databases such as ExAC and gnomAD. While this sequence change has not previously been described in the literature, other loss-of-function variants in the ERCC6L2 gene have been described in several individuals with ERCC6L2 -related disorders (PMID: 24507776, 27185855, 29146883, 29987015). These collective evidences indicate that this sequence change is pathogenic, however functional studies have not been performed to prove this conclusively.

NM_020207.7(ERCC6L2):c.1441C>T (p.Gln481Ter)

Gene: ERCC6L2 (ERCC excision repair 6 like 2; plus strand). Cytogenetic location: 9q22.32.
Variant type: single nucleotide variant.
Coding change: c.1441C>T on transcript NM_020207.7 (MANE Select); coding-DNA position 1441, C replaced by T.
Protein change: p.Gln481Ter; replaces glutamine 481 with a stop codon.
Molecular consequence: nonsense. On other transcripts: non-coding transcript variant (1).
Genome position (GRCh38, 1-based): chr9:95,923,287, C>T. VCF-style: chr9-95923287-C-T. GRCh37 (hg19) VCF-style: chr9-98685569-C-T.
Other names: c.1441C>T, p.Gln481Ter (NM_001375291.1, NM_001375292.1, NM_001375293.1 and 2 more transcripts); short protein forms Q481*.
Identifiers: ClinVar variation 4082425 (VCV004082425.2).